The following is an entry in ClinVar:

NM_000352.6(ABCC8):c.847G>A (p.Gly283Ser)

Gene: ABCC8 (ATP binding cassette subfamily C member 8; minus strand). Cytogenetic location: 11p15.1.
Variant type: single nucleotide variant.
Coding change: c.847G>A on transcript NM_000352.6 (MANE Select); coding-DNA position 847, G replaced by A.
Protein change: p.Gly283Ser; replaces glycine 283 with serine.
Molecular consequence: missense variant. On other transcripts: non-coding transcript variant (1).
Genome position (GRCh38, 1-based): chr11:17,460,652, C>T on the plus strand (G>A on the coding strand, the complement: ABCC8 is on the minus strand). VCF-style: chr11-17460652-C-T. GRCh37 (hg19) VCF-style: chr11-17482199-C-T.
Other names: c.847G>A, p.Gly283Ser (NM_001287174.3, NM_001351295.2); c.844G>A, p.Gly282Ser (NM_001351296.2, NM_001351297.2); short protein forms G282S, G283S.
Identifiers: ClinVar variation 3991497 (VCV003991497.1).

ClinVar aggregate classification (germline): Uncertain significance (1 of 4 stars; one submission).

Conditions:
Inborn genetic diseases. Identifiers: MedGen C0950123, MeSH D030342.

Submission:

Ambry Genetics
Classification: Uncertain significance for Inborn genetic diseases. Last evaluated: 2025-03-23. Review status: criteria provided, single submitter. Criteria: Ambry Variant Classification Scheme 2023. Collection method: clinical testing. Allele origin: germline.
Comment: The p.G283S variant (also known as c.847G>A), located in coding exon 6 of the ABCC8 gene, results from a G to A substitution at nucleotide position 847. The glycine at codon 283 is replaced by serine, an amino acid with similar properties. This amino acid position is conserved. In addition, the in silico prediction for this alteration is inconclusive. Based on the available evidence, the clinical significance of this variant remains unclear.